The following is an entry in ClinVar:

ClinVar aggregate classification (germline): Uncertain significance (1 of 4 stars; one submission).

Allele frequency attached by ClinVar (database versions not stated): gnomAD exomes 0.00001; ExAC 0.00007.
gnomAD v4.1: 11 of 1,119,978 alleles (0.00098%); highest among the groups gnomAD compares: Middle Eastern, 0.02%; 2 homozygotes.

Submission:

Labcorp Genetics (formerly Invitae), Labcorp
Classification: Uncertain significance. Last evaluated: 2023-05-21. Review status: criteria provided, single submitter. Criteria: Invitae Variant Classification Sherloc (09022015). Collection method: clinical testing. Allele origin: germline.
Comment: In summary, the available evidence is currently insufficient to determine the role of this variant in disease. Therefore, it has been classified as a Variant of Uncertain Significance. Algorithms developed to predict the effect of sequence changes on RNA splicing suggest that this variant is not likely to affect RNA splicing. This variant has not been reported in the literature in individuals affected with GUCY2C-related conditions. This variant is present in population databases (rs771738557, gnomAD 0.03%). This sequence change affects codon 316 of the GUCY2C mRNA. It is a 'silent' change, meaning that it does not change the encoded amino acid sequence of the GUCY2C protein. It affects a nucleotide within the consensus splice site.

NM_004963.4(GUCY2C):c.948A>C (p.Pro316=)

Genes: GUCY2C (guanylate cyclase 2C; minus strand), GUCY2C-AS1 (GUCY2C antisense RNA 1; plus strand). Cytogenetic location: 12p12.3.
Variant type: single nucleotide variant.
Coding change: c.948A>C on transcript NM_004963.4 (MANE Select); coding-DNA position 948, A replaced by C.
Protein change: p.Pro316=; no amino-acid change (proline 316 retained).
Molecular consequence: synonymous variant.
Genome position (GRCh38, 1-based): chr12:14,676,854, T>G on the plus strand (A>C on the coding strand, the complement: GUCY2C is on the minus strand). VCF-style: chr12-14676854-T-G. GRCh37 (hg19) VCF-style: chr12-14829788-T-G.
Identifiers: ClinVar variation 2797330 (VCV002797330.3), dbSNP rs771738557, ClinGen allele CA6463610.